The following is an entry in ClinVar:

ClinVar aggregate classification (germline): Uncertain significance (1 of 4 stars; one submission).

Conditions:
Multiple endocrine neoplasia, type 2 (MEN2). Identifiers: Orphanet 653, MedGen C4048306, MONDO:0019003. Disease mechanism: gain of function.

Submission:

Labcorp Genetics (formerly Invitae), Labcorp
Classification: Uncertain significance for Multiple endocrine neoplasia, type 2. Last evaluated: 2023-05-18. Review status: criteria provided, single submitter. Criteria: Invitae Variant Classification Sherloc (09022015). Collection method: clinical testing. Allele origin: germline.
Comment: In summary, the available evidence is currently insufficient to determine the role of this variant in disease. Therefore, it has been classified as a Variant of Uncertain Significance. An algorithm developed to predict the effect of missense changes on protein structure and function (PolyPhen-2) suggests that this variant is likely to be tolerated. This variant has not been reported in the literature in individuals affected with RET-related conditions. This variant is not present in population databases (gnomAD no frequency). This sequence change replaces glutamine, which is neutral and polar, with lysine, which is basic and polar, at codon 495 of the RET protein (p.Gln495Lys).

NM_020975.6(RET):c.1483C>A (p.Gln495Lys)

Gene: RET (ret proto-oncogene; plus strand). Cytogenetic location: 10q11.21.
Variant type: single nucleotide variant.
Coding change: c.1483C>A on transcript NM_020975.6 (MANE Select); coding-DNA position 1483, C replaced by A.
Protein change: p.Gln495Lys; replaces glutamine 495 with lysine.
Molecular consequence: missense variant. On other transcripts: intron variant (15).
Genome position (GRCh38, 1-based): chr10:43,111,426, C>A. VCF-style: chr10-43111426-C-A. GRCh37 (hg19) VCF-style: chr10-43606874-C-A.
Other names: c.1483C>A, p.Gln495Lys (NM_000323.2, NM_001406743.1, NM_001406744.1 and 6 more transcripts); c.721C>A, p.Gln241Lys (NM_001355216.2); c.1354C>A, p.Gln452Lys (NM_001406761.1, NM_001406762.1, NM_001406764.1 and 1 more transcripts); c.1195C>A, p.Gln399Lys (NM_001406766.1, NM_001406767.1, NM_001406770.1); c.1087C>A, p.Gln363Lys (NM_001406769.1, NM_001406772.1); c.1045C>A, p.Gln349Lys (NM_001406771.1, NM_001406773.1); c.626-673C>A (NM_001406782.1, NM_001406780.1, NM_001406779.1 and 3 more transcripts); c.497-673C>A (NM_001406786.1, NM_001406783.1); and 5 more; short protein forms Q165K, Q363K, Q452K, Q241K, Q320K, Q399K, Q495K, Q253K.
Identifiers: ClinVar variation 2807636 (VCV002807636.3), dbSNP rs2132775655, ClinGen allele CA376549875.